The following is an entry in ClinVar:

ClinVar aggregate classification (germline): Uncertain significance (1 of 4 stars; one submission).

Conditions:
Gorlin syndrome. Also called: Basal cell nevus syndrome; Nevoid Basal Cell Carcinoma Syndrome. Identifiers: Orphanet 377, MedGen C0004779, MONDO:0007187.
Medulloblastoma (MDB). Also called: MEDULLOBLASTOMA PREDISPOSITION SYNDROME; Medulloblastoma, somatic. Identifiers: Orphanet 616, MedGen C0025149, MeSH D008527, MONDO:0007959, OMIM 155255, HP:0002885.

Submission:

Labcorp Genetics (formerly Invitae), Labcorp
Classification: Uncertain significance for Gorlin syndrome; Medulloblastoma. Last evaluated: 2022-10-13. Review status: criteria provided, single submitter. Criteria: Invitae Variant Classification Sherloc (09022015). Collection method: clinical testing. Allele origin: germline.
Comment: In summary, the available evidence is currently insufficient to determine the role of this variant in disease. Therefore, it has been classified as a Variant of Uncertain Significance. Advanced modeling of protein sequence and biophysical properties (such as structural, functional, and spatial information, amino acid conservation, physicochemical variation, residue mobility, and thermodynamic stability) performed at Invitae indicates that this missense variant is not expected to disrupt SUFU protein function. This sequence change replaces serine, which is neutral and polar, with cysteine, which is neutral and slightly polar, at codon 81 of the SUFU protein (p.Ser81Cys). This variant is not present in population databases (gnomAD no frequency). This variant has not been reported in the literature in individuals affected with SUFU-related conditions. ClinVar contains an entry for this variant (Variation ID: 958235).

NM_016169.4(SUFU):c.242C>G (p.Ser81Cys)

Gene: SUFU (SUFU negative regulator of hedgehog signaling; plus strand). Cytogenetic location: 10q24.32.
Variant type: single nucleotide variant.
Coding change: c.242C>G on transcript NM_016169.4 (MANE Select); coding-DNA position 242, C replaced by G.
Protein change: p.Ser81Cys; replaces serine 81 with cysteine.
Molecular consequence: missense variant.
Genome position (GRCh38, 1-based): chr10:102,509,228, C>G. VCF-style: chr10-102509228-C-G. GRCh37 (hg19) VCF-style: chr10-104268985-C-G.
Other names: c.242C>G, p.Ser81Cys (NM_001178133.2); short protein forms S81C.
Identifiers: ClinVar variation 958235 (VCV000958235.10), dbSNP rs2062368817, ClinGen allele CA377888645.
Genomic context (GRCh38, chr10:102,509,228, plus strand): 5'-GGTTGGGTGGCCCAGACCCCTTGGACTATGTTAGCATGTACAGGAATGTGGGGAGCCCTT[C>G]TGCTAACATCCCCGAGCACTGGCACTACATCAGCTTCGGCCTGAGTGATCTCTATGGTGA-3'
Protein context (NP_057253.2, residues 71-91): VSMYRNVGSP[Ser81Cys]ANIPEHWHYI